The following is an entry in ClinVar:

NM_001009944.3(PKD1):c.2079del (p.Ala696fs)

Gene: PKD1 (polycystin 1, transient receptor potential channel interacting; minus strand). Cytogenetic location: 16p13.3.
Variant type: Deletion.
Coding change: c.2079del on transcript NM_001009944.3 (MANE Select); coding-DNA position 2079, one base deleted (G; older notation c.2079delG).
Protein change: p.Ala696fs; shifts the reading frame from alanine 696.
Molecular consequence: frameshift variant.
Genome position (GRCh38, 1-based): chr16:2,115,396, C deleted on the plus strand (G on the coding strand, the reverse complement: PKD1 is on the minus strand); the first of 4 consecutive C bases (chr16:2,115,396-2,115,399); deleting any one gives the same sequence. VCF-style (leftmost placement, unchanged base first): chr16-2115395-GC-G. GRCh37 (hg19) VCF-style: chr16-2165396-GC-G.
Other names: c.2079del, p.Ala696fs (NM_000296.4); c.2076delG, p.Ala696Argfs (NM_001009944.2); short protein forms A696fs.
Identifiers: ClinVar variation 2446201 (VCV002446201.3), dbSNP rs1057518923, ClinGen allele CA2575879150.

ClinVar aggregate classification (germline): Pathogenic. Review status: criteria provided, multiple submitters, no conflicts (2 of 4 stars). 2 submissions from 2 submitters: Pathogenic (2). Last evaluated 2025-12-18.

Conditions:
Polycystic kidney disease, adult type (PKD1). Also called: POLYCYSTIC KIDNEY DISEASE, ADULT, TYPE I; Polycystic Kidney Disease 1, Autosomal Dominant; Polycystic kidney disease 1; Polycystic kidney disease 1, severe; POLYCYSTIC KIDNEY DISEASE 1 WITH OR WITHOUT POLYCYSTIC LIVER DISEASE; Polycystic Kidney, Autosomal Dominant. Identifiers: MedGen C3149841, MONDO:0008263, OMIM 173900.

Submissions (2):

GeneDx
Classification: Pathogenic. Last evaluated: 2025-12-18. Review status: criteria provided, single submitter. Criteria: GeneDx Variant Classification Process June 2021. Collection method: clinical testing. Allele origin: germline.
Comment: Frameshift variant predicted to result in protein truncation or nonsense mediated decay in a gene for which loss of function is a known mechanism of disease; Not observed at significant frequency in large population cohorts (gnomAD); This variant is associated with the following publications: (PMID: 17582161)

Fulgent Genetics
Classification: Pathogenic for Polycystic kidney disease, adult type. Last evaluated: 2024-06-10. Review status: criteria provided, single submitter. Criteria: ACMG Guidelines, 2015. Collection method: clinical testing. Allele origin: germline.